The following is an entry in ClinVar:

NM_001349253.2(SCN11A):c.5063C>T (p.Ala1688Val)

Gene: SCN11A (sodium voltage-gated channel alpha subunit 11; minus strand). Cytogenetic location: 3p22.2.
Variant type: single nucleotide variant.
Coding change: c.5063C>T on transcript NM_001349253.2 (MANE Select); coding-DNA position 5063, C replaced by T.
Protein change: p.Ala1688Val; replaces alanine 1688 with valine.
Molecular consequence: missense variant.
Genome position (GRCh38, 1-based): chr3:38,847,007, G>A on the plus strand (C>T on the coding strand, the complement: SCN11A is on the minus strand). VCF-style: chr3-38847007-G-A. GRCh37 (hg19) VCF-style: chr3-38888498-G-A.
Other names: c.5063C>T, p.Ala1688Val (NM_014139.3); short protein forms A1688V.
Identifiers: ClinVar variation 474742 (VCV000474742.15), dbSNP rs79184444, ClinGen allele CA2321408.

ClinVar aggregate classification (germline): Conflicting classifications of pathogenicity. Review status: criteria provided, conflicting classifications (1 of 4 stars). 3 submissions from 3 submitters: Uncertain significance (2); Likely benign (1). Last evaluated 2026-01-06.

Conditions:
SCN11A-related disorder. Also called: SCN11A-related condition.
Hereditary sensory and autonomic neuropathy type 7. Also called: HSAN VII; Neuropathy, hereditary sensory and autonomic, type VII. Identifiers: Orphanet 391397, MedGen C3809882, MONDO:0014244, OMIM 615548.
Familial episodic pain syndrome with predominantly lower limb involvement. Also called: Episodic pain syndrome, familial, 3. Identifiers: Orphanet 391384, Orphanet 391392, MedGen C3809899, MONDO:0014247, OMIM 615552.
Inborn genetic diseases. Identifiers: MedGen C0950123, MeSH D030342.

Allele frequency attached by ClinVar (database versions not stated): gnomAD 0.00003; TOPMed 0.00003; ExAC 0.00004; gnomAD exomes 0.00004 and 0.00011; ESP Exome Variant Server 0.00015; 1000 Genomes Project 0.00020; 1000 Genomes Project 30x 0.00031.

Submissions (3):

Labcorp Genetics (formerly Invitae), Labcorp
Classification: Uncertain significance for Familial episodic pain syndrome with predominantly lower limb involvement; Hereditary sensory and autonomic neuropathy type 7. Last evaluated: 2026-01-06. Review status: criteria provided, single submitter. Criteria: Invitae Variant Classification Sherloc (09022015). Collection method: clinical testing. Allele origin: germline.
Comment: This sequence change replaces alanine, which is neutral and non-polar, with valine, which is neutral and non-polar, at codon 1688 of the SCN11A protein (p.Ala1688Val). This variant is present in population databases (rs79184444, gnomAD 0.008%). This missense change has been observed in individual(s) with SCN11A-related conditions (internal data). This missense change has been observed in at least one individual who was not affected with SCN11A-related conditions (internal data). ClinVar contains an entry for this variant (Variation ID: 474742). Invitae Evidence Modeling of protein sequence and biophysical properties (such as structural, functional, and spatial information, amino acid conservation, physicochemical variation, residue mobility, and thermodynamic stability) indicates that this missense variant is expected to disrupt SCN11A protein function with a positive predictive value of 80%. In summary, the available evidence is currently insufficient to determine the role of this variant in disease. Therefore, it has been classified as a Variant of Uncertain Significance.

PreventionGenetics, part of Exact Sciences
Classification: Uncertain significance for SCN11A-related condition. Last evaluated: 2025-12-29. Review status: criteria provided, single submitter. Criteria: ACMG Guidelines, 2015. Collection method: clinical testing. Allele origin: germline.
Comment: The SCN11A c.5063C>T variant is predicted to result in the amino acid substitution p.Ala1688Val. To our knowledge, this variant has not been reported in the literature. This variant is reported in 0.0093% of alleles in individuals of European (non-Finnish) descent in gnomAD. At this time, the clinical significance of this variant is uncertain due to the absence of conclusive functional and genetic evidence.

Ambry Genetics
Classification: Likely benign for Inborn genetic diseases. Last evaluated: 2021-11-05. Review status: criteria provided, single submitter. Criteria: Ambry Variant Classification Scheme 2023. Collection method: clinical testing. Allele origin: germline.

Literature cited by the submitters: PubMed 28518168 (cited by Ambry Genetics); PubMed 32461654 (cited by Ambry Genetics).